The following is an entry in ClinVar:

ClinVar aggregate classification (germline): Uncertain significance (1 of 4 stars; one submission).

Conditions:
Bardet-Biedl syndrome (BBS). Identifiers: Orphanet 110, MedGen C0752166, MONDO:0015229.

Allele frequency attached by ClinVar (database versions not stated): gnomAD exomes below 0.00001.

Submission:

Labcorp Genetics (formerly Invitae), Labcorp
Classification: Uncertain significance for Bardet-Biedl syndrome. Last evaluated: 2024-10-21. Review status: criteria provided, single submitter. Criteria: Invitae Variant Classification Sherloc (09022015). Collection method: clinical testing. Allele origin: germline.
Comment: This sequence change replaces phenylalanine, which is neutral and non-polar, with serine, which is neutral and polar, at codon 263 of the BBS5 protein (p.Phe263Ser). This variant is not present in population databases (gnomAD no frequency). This variant has not been reported in the literature in individuals affected with BBS5-related conditions. ClinVar contains an entry for this variant (Variation ID: 1394738). Invitae Evidence Modeling of protein sequence and biophysical properties (such as structural, functional, and spatial information, amino acid conservation, physicochemical variation, residue mobility, and thermodynamic stability) indicates that this missense variant is expected to disrupt BBS5 protein function with a positive predictive value of 80%. In summary, the available evidence is currently insufficient to determine the role of this variant in disease. Therefore, it has been classified as a Variant of Uncertain Significance.

NM_152384.3(BBS5):c.788T>C (p.Phe263Ser)

Gene: BBS5 (Bardet-Biedl syndrome 5; plus strand). Cytogenetic location: 2q31.1.
Variant type: single nucleotide variant.
Coding change: c.788T>C on transcript NM_152384.3 (MANE Select); coding-DNA position 788, T replaced by C.
Protein change: p.Phe263Ser; replaces phenylalanine 263 with serine.
Molecular consequence: missense variant.
Genome position (GRCh38, 1-based): chr2:169,499,592, T>C. VCF-style: chr2-169499592-T-C. GRCh37 (hg19) VCF-style: chr2-170356102-T-C.
Other names: short protein forms F263S.
Identifiers: ClinVar variation 1394738 (VCV001394738.7), dbSNP rs969475017, ClinGen allele CA59935994.
Genomic context (GRCh38, chr2:169,499,592, plus strand): 5'-TACAAGAATCAGTTAAGGAAATCAATTCACTTCACAAAGTCTATTCTGCCAGTCCCATAT[T>C]TGGAGTTGATTATGAGATGGAAGAAAAGGTAATTTGTTGAGTATGTGAAATAAAGTTTGC-3'
Protein context (NP_689597.1, residues 253-273): LHKVYSASPI[Phe263Ser]GVDYEMEEKP